The following is an entry in ClinVar:

ClinVar aggregate classification (germline): Uncertain significance. Review status: criteria provided, multiple submitters, no conflicts (2 of 4 stars). 2 submissions from 2 submitters: Uncertain significance (2). Last evaluated 2026-04-27.

Conditions:
Heterotopia, periventricular, X-linked dominant (PVNH1). Also called: PERIVENTRICULAR NODULAR HETEROTOPIA 1; X-linked periventricular heterotopia; PERIVENTRICULAR NODULAR HETEROTOPIA 4; HETEROTOPIA, PERIVENTRICULAR, 1. Identifiers: Orphanet 2149, Orphanet 82004, MedGen C1848213, MONDO:0010233, OMIM 300049.
Oto-palato-digital syndrome, type II (OPD2). Also called: FACIOPALATOOSSEOUS SYNDROME; OPD II SYNDROME; Otopalatodigital Syndrome, Type II; Otopalatodigital Syndrome Type 2 (FLNA-OPD2). Identifiers: Orphanet 669, Orphanet 90652, MedGen C1844696, MONDO:0010571, OMIM 304120.
Melnick-Needles syndrome (MNS). Also called: MELNICK-NEEDLES OSTEODYSPLASTY; OSTEODYSPLASTY OF MELNICK AND NEEDLES; Melnick-Needles Syndrome (FLNA-MNS). Identifiers: Orphanet 2484, MedGen C0025237, MONDO:0010650, OMIM 309350.
Frontometaphyseal dysplasia (FMD1). Identifiers: Orphanet 1826, MedGen C0265293, MONDO:0015942.

Submissions (2):

GeneDx
Classification: Uncertain significance. Last evaluated: 2026-04-27. Review status: criteria provided, single submitter. Criteria: GeneDx Variant Classification Process June 2021. Collection method: clinical testing. Allele origin: germline.
Comment: Not observed at significant frequency in large population cohorts (gnomAD); In silico analysis supports that this missense variant has a deleterious effect on protein structure/function; Has not been previously published as pathogenic or benign to our knowledge

Labcorp Genetics (formerly Invitae), Labcorp
Classification: Uncertain significance for Oto-palato-digital syndrome, type II; Heterotopia, periventricular, X-linked dominant; Frontometaphyseal dysplasia; Melnick-Needles syndrome. Last evaluated: 2024-10-24. Review status: criteria provided, single submitter. Criteria: Invitae Variant Classification Sherloc (09022015). Collection method: clinical testing. Allele origin: germline.
Comment: This sequence change replaces phenylalanine, which is neutral and non-polar, with leucine, which is neutral and non-polar, at codon 99 of the FLNA protein (p.Phe99Leu). This variant is not present in population databases (gnomAD no frequency). This variant has not been reported in the literature in individuals affected with FLNA-related conditions. Invitae Evidence Modeling of protein sequence and biophysical properties (such as structural, functional, and spatial information, amino acid conservation, physicochemical variation, residue mobility, and thermodynamic stability) indicates that this missense variant is not expected to disrupt FLNA protein function with a negative predictive value of 95%. In summary, the available evidence is currently insufficient to determine the role of this variant in disease. Therefore, it has been classified as a Variant of Uncertain Significance.

NM_001110556.2(FLNA):c.297C>G (p.Phe99Leu)

Gene: FLNA (filamin A; minus strand). Cytogenetic location: Xq28.
Variant type: single nucleotide variant.
Coding change: c.297C>G on transcript NM_001110556.2 (MANE Select); coding-DNA position 297, C replaced by G.
Protein change: p.Phe99Leu; replaces phenylalanine 99 with leucine.
Molecular consequence: missense variant.
Genome position (GRCh38, 1-based): chrX:154,370,949, G>C on the plus strand (C>G on the coding strand, the complement: FLNA is on the minus strand). VCF-style: chrX-154370949-G-C. GRCh37 (hg19) VCF-style: chrX-153599317-G-C.
Other names: c.297C>G, p.Phe99Leu (NM_001456.4); c.297C>G (NM_001456.3); short protein forms F99L.
Identifiers: ClinVar variation 3750209 (VCV003750209.4).